The following is an entry in ClinVar:

NM_004444.5(EPHB4):c.355G>A (p.Asp119Asn)

Gene: EPHB4 (EPH receptor B4; minus strand). Cytogenetic location: 7q22.1.
Variant type: single nucleotide variant.
Coding change: c.355G>A on transcript NM_004444.5 (MANE Select); coding-DNA position 355, G replaced by A.
Protein change: p.Asp119Asn; replaces aspartic acid 119 with asparagine.
Molecular consequence: missense variant.
Genome position (GRCh38, 1-based): chr7:100,823,700, C>T on the plus strand (G>A on the coding strand, the complement: EPHB4 is on the minus strand). VCF-style: chr7-100823700-C-T. GRCh37 (hg19) VCF-style: chr7-100421322-C-T.
Other names: short protein forms D119N.
Identifiers: ClinVar variation 3635021 (VCV003635021.2).

ClinVar aggregate classification (germline): Uncertain significance (1 of 4 stars; one submission).

gnomAD v4.1: 19 of 1,613,588 alleles (0.0012%); highest among the groups gnomAD compares: East Asian, 0.0067%; no homozygotes.

Submission:

Labcorp Genetics (formerly Invitae), Labcorp
Classification: Uncertain significance. Last evaluated: 2024-02-23. Review status: criteria provided, single submitter. Criteria: Invitae Variant Classification Sherloc (09022015). Collection method: clinical testing. Allele origin: germline.
Comment: This sequence change replaces aspartic acid, which is acidic and polar, with asparagine, which is neutral and polar, at codon 119 of the EPHB4 protein (p.Asp119Asn). This variant is present in population databases (rs201416777, gnomAD 0.01%). This variant has not been reported in the literature in individuals affected with EPHB4-related conditions. Advanced modeling of protein sequence and biophysical properties (such as structural, functional, and spatial information, amino acid conservation, physicochemical variation, residue mobility, and thermodynamic stability) performed at Invitae indicates that this missense variant is not expected to disrupt EPHB4 protein function with a negative predictive value of 80%. In summary, the available evidence is currently insufficient to determine the role of this variant in disease. Therefore, it has been classified as a Variant of Uncertain Significance.